The following is an entry in ClinVar:

NM_000057.4(BLM):c.566G>T (p.Gly189Val)

Gene: BLM (BLM RecQ like helicase; plus strand). Cytogenetic location: 15q26.1.
Variant type: single nucleotide variant.
Coding change: c.566G>T on transcript NM_000057.4 (MANE Select); coding-DNA position 566, G replaced by T.
Protein change: p.Gly189Val; replaces glycine 189 with valine.
Molecular consequence: missense variant. On other transcripts: 5 prime UTR variant (1).
Genome position (GRCh38, 1-based): chr15:90,749,834, G>T. VCF-style: chr15-90749834-G-T. GRCh37 (hg19) VCF-style: chr15-91293064-G-T.
Other names: c.566G>T, p.Gly189Val (NM_001287246.2, NM_001287247.2); c.-726G>T (NM_001287248.2); short protein forms G189V.
Identifiers: ClinVar variation 1748959 (VCV001748959.5), dbSNP rs754306004, ClinGen allele CA393841067.

ClinVar aggregate classification (germline): Uncertain significance. Review status: criteria provided, multiple submitters, no conflicts (2 of 4 stars). 2 submissions from 2 submitters: Uncertain significance (2). Last evaluated 2022-11-23.

Conditions:
Hereditary cancer-predisposing syndrome. Also called: Hereditary Cancer Syndrome; Hereditary neoplastic syndrome; Neoplastic Syndromes, Hereditary; Tumor predisposition. Identifiers: Orphanet 140162, MedGen C0027672, MeSH D009386, MONDO:0015356.
Bloom syndrome (BLM). Also called: Bloom-Torre-Machacek syndrome. Identifiers: Orphanet 125, MedGen C0005859, MONDO:0008876, OMIM 210900.

Submissions (2):

Labcorp Genetics (formerly Invitae), Labcorp
Classification: Uncertain significance for Bloom syndrome. Last evaluated: 2022-11-23. Review status: criteria provided, single submitter. Criteria: Invitae Variant Classification Sherloc (09022015). Collection method: clinical testing. Allele origin: germline.
Comment: In summary, the available evidence is currently insufficient to determine the role of this variant in disease. Therefore, it has been classified as a Variant of Uncertain Significance. Algorithms developed to predict the effect of missense changes on protein structure and function (SIFT, PolyPhen-2, Align-GVGD) all suggest that this variant is likely to be tolerated. This variant has not been reported in the literature in individuals affected with BLM-related conditions. This variant is not present in population databases (gnomAD no frequency). This sequence change replaces glycine, which is neutral and non-polar, with valine, which is neutral and non-polar, at codon 189 of the BLM protein (p.Gly189Val).

Ambry Genetics
Classification: Uncertain significance for Hereditary cancer-predisposing syndrome. Last evaluated: 2022-01-04. Review status: criteria provided, single submitter. Criteria: Ambry Variant Classification Scheme 2023. Collection method: clinical testing. Allele origin: germline.
Comment: The p.G189V variant (also known as c.566G>T), located in coding exon 2 of the BLM gene, results from a G to T substitution at nucleotide position 566. The glycine at codon 189 is replaced by valine, an amino acid with dissimilar properties. This amino acid position is conserved. In addition, this alteration is predicted to be tolerated by in silico analysis. Since supporting evidence is limited at this time, the clinical significance of this alteration remains unclear.